The following is an entry in ClinVar:

ClinVar aggregate classification (germline): Uncertain significance. Review status: criteria provided, multiple submitters, no conflicts (2 of 4 stars). 2 submissions from 2 submitters: Uncertain significance (2). Last evaluated 2023-04-03.

Conditions:
Brody myopathy. Also called: BRODY DISEASE. Identifiers: Orphanet 53347, MedGen C1832918, MONDO:0010977, OMIM 601003.

Allele frequency attached by ClinVar (database versions not stated): gnomAD 0.00001 and 0.00002; gnomAD exomes 0.00002; TOPMed 0.00004; ESP Exome Variant Server 0.00008.
gnomAD v4.1: 30 of 1,614,038 alleles (0.0019%); highest among the groups gnomAD compares: Middle Eastern, 0.016%; no homozygotes.

Submissions (2):

Mayo Clinic Laboratories, Mayo Clinic
Classification: Uncertain significance. Last evaluated: 2023-04-03. Review status: criteria provided, single submitter. Criteria: ACMG Guidelines, 2015. Collection method: clinical testing. Allele origin: germline. Observed: 1 variant allele.
Comment: PP3

Labcorp Genetics (formerly Invitae), Labcorp
Classification: Uncertain significance for Brody myopathy. Last evaluated: 2022-07-26. Review status: criteria provided, single submitter. Criteria: Invitae Variant Classification Sherloc (09022015). Collection method: clinical testing. Allele origin: germline.
Comment: This sequence change replaces isoleucine, which is neutral and non-polar, with threonine, which is neutral and polar, at codon 639 of the ATP2A1 protein (p.Ile639Thr). This variant is present in population databases (rs146632347, gnomAD 0.007%). This variant has not been reported in the literature in individuals affected with ATP2A1-related conditions. ClinVar contains an entry for this variant (Variation ID: 1494911). Algorithms developed to predict the effect of missense changes on protein structure and function are either unavailable or do not agree on the potential impact of this missense change (SIFT: "Deleterious"; PolyPhen-2: "Probably Damaging"; Align-GVGD: "Class C0"). In summary, the available evidence is currently insufficient to determine the role of this variant in disease. Therefore, it has been classified as a Variant of Uncertain Significance.

NM_004320.6(ATP2A1):c.1916T>C (p.Ile639Thr)

Gene: ATP2A1 (ATPase sarcoplasmic/endoplasmic reticulum Ca2+ transporting 1; plus strand). Cytogenetic location: 16p11.2.
Variant type: single nucleotide variant.
Coding change: c.1916T>C on transcript NM_004320.6 (MANE Select); coding-DNA position 1916, T replaced by C.
Protein change: p.Ile639Thr; replaces isoleucine 639 with threonine.
Molecular consequence: missense variant.
Genome position (GRCh38, 1-based): chr16:28,900,732, T>C. VCF-style: chr16-28900732-T-C. GRCh37 (hg19) VCF-style: chr16-28912053-T-C.
Other names: p.Ile639Thr; c.1916T>C (NM_173201.4); c.1541T>C, p.Ile514Thr (NM_001286075.2); c.1916T>C, p.Ile639Thr (NM_173201.5); short protein forms I514T, I639T.
Identifiers: ClinVar variation 1494911 (VCV001494911.4), dbSNP rs146632347, ClinGen allele CA7987116.
Genomic context (GRCh38, chr16:28,900,732, plus strand): 5'-TCCGGGTGATCATGATCACTGGGGACAACAAGGGCACAGCCATTGCCATCTGCCGGCGAA[T>C]TGGCATCTTTGGGGAGAACGAGGAGGTGGCCGATCGCGCCTACACGGGCCGAGAGTTCGA-3'
Protein context (NP_004311.1, residues 629-649): KGTAIAICRR[Ile639Thr]GIFGENEEVA